The following is an entry in ClinVar:

NM_006767.4(LZTR1):c.712G>C (p.Asp238His)

Gene: LZTR1 (leucine zipper like post translational regulator 1; plus strand). Cytogenetic location: 22q11.21.
Variant type: single nucleotide variant.
Coding change: c.712G>C on transcript NM_006767.4 (MANE Select); coding-DNA position 712, G replaced by C.
Protein change: p.Asp238His; replaces aspartic acid 238 with histidine.
Molecular consequence: missense variant.
Genome position (GRCh38, 1-based): chr22:20,990,446, G>C. VCF-style: chr22-20990446-G-C. GRCh37 (hg19) VCF-style: chr22-21344735-G-C.
Other names: short protein forms D238H.
Identifiers: ClinVar variation 1757307 (VCV001757307.2), dbSNP rs750904684, ClinGen allele CA10118600.

ClinVar aggregate classification (germline): Uncertain significance (1 of 4 stars; one submission).

Conditions:
Cardiovascular phenotype. Identifiers: MedGen CN230736.
Hereditary cancer-predisposing syndrome. Also called: Neoplastic Syndromes, Hereditary; Tumor predisposition; Hereditary Cancer Syndrome; Hereditary neoplastic syndrome. Identifiers: Orphanet 140162, MedGen C0027672, MeSH D009386, MONDO:0015356.

Allele frequency attached by ClinVar (database versions not stated): TOPMed below 0.00001; ExAC 0.00001; gnomAD 0.00001.
gnomAD v4.1: 2 of 1,613,968 alleles (0.00012%); highest among the groups gnomAD compares: Non-Finnish European, 0.00017%; no homozygotes.

Submission:

Ambry Genetics
Classification: Uncertain significance for Cardiovascular phenotype; Hereditary cancer-predisposing syndrome. Last evaluated: 2022-08-16. Review status: criteria provided, single submitter. Criteria: Ambry Variant Classification Scheme 2023. Collection method: clinical testing. Allele origin: germline.
Comment: The p.D238H variant (also known as c.712G>C), located in coding exon 8 of the LZTR1 gene, results from a G to C substitution at nucleotide position 712. The aspartic acid at codon 238 is replaced by histidine, an amino acid with similar properties. This amino acid position is conserved. In addition, the in silico prediction for this alteration is inconclusive. Since supporting evidence is limited at this time, the clinical significance of this alteration remains unclear.